The following is an entry in ClinVar:

ClinVar aggregate classification (germline): Uncertain significance (1 of 4 stars; one submission).

Submission:

Labcorp Genetics (formerly Invitae), Labcorp
Classification: Uncertain significance. Last evaluated: 2022-10-30. Review status: criteria provided, single submitter. Criteria: Invitae Variant Classification Sherloc (09022015). Collection method: clinical testing. Allele origin: unknown.
Comment: In summary, the available evidence is currently insufficient to determine the role of this variant in disease. Therefore, it has been classified as a Variant of Uncertain Significance. This variant has not been reported in the literature in individuals affected with FZD4-related conditions. A copy number gain of the genomic region encompassing the full coding sequence of the FZD4 gene has been identified. The boundaries of this event are unknown as they extend beyond the assayed region for this gene and therefore may encompass additional genes. As the precise location of this event is unknown, it may be in tandem or it may be located elsewhere in the genome.

NC_000011.9:g.(?_86662184)_(86666127_?)dup

Gene: FZD4 (frizzled class receptor 4; minus strand). Cytogenetic location: 11q14.2.
Variant type: Duplication.
Identifiers: ClinVar variation 3244774 (VCV003244774.1).